The following is an entry in ClinVar:

ClinVar aggregate classification (germline): Uncertain significance. Review status: criteria provided, multiple submitters, no conflicts (2 of 4 stars). 4 submissions from 4 submitters: Uncertain significance (4). Last evaluated 2026-05-21.

Conditions:
Cardiovascular phenotype. Identifiers: MedGen CN230736.
Familial hypobetalipoproteinemia 1. Also called: Hypobetalipoproteinemia, normotriglyceridemic; Acanthocytosis with hypobetalipoproteinemia; APOB-Related Familial Hypobetalipoproteinemia. Identifiers: MedGen C4551990, MONDO:0014252, OMIM 615558.
Hypercholesterolemia, autosomal dominant, type B (FHCL2). Also called: Familial Hypercholesterolemia Type B; Familial hypercholesterolemia 2; Hyperlipoproteinemia Type IIb; HYPERCHOLESTEROLEMIA, FAMILIAL, DUE TO LIGAND-DEFECTIVE APOLIPOPROTEIN B; APOLIPOPROTEIN B-100, FAMILIAL DEFECTIVE; APOLIPOPROTEIN B-100, FAMILIAL LIGAND-DEFECTIVE. Identifiers: MedGen C1704417, MONDO:0007751, OMIM 144010.

Allele frequency attached by ClinVar (database versions not stated): gnomAD 0.00001; ExAC 0.00002; gnomAD exomes 0.00003; TOPMed 0.00003.
gnomAD v4.1: 15 of 1,612,040 alleles (0.00093%); highest among the groups gnomAD compares: Admixed American, 0.0033%; no homozygotes.

Submissions (4):

Ambry Genetics
Classification: Uncertain significance for Cardiovascular phenotype. Last evaluated: 2026-05-21. Review status: criteria provided, single submitter. Criteria: Ambry Variant Classification Scheme 2023. Collection method: clinical testing. Allele origin: germline.
Comment: The p.R490Q variant (also known as c.1469G>A), located in coding exon 11 of the APOB gene, results from a G to A substitution at nucleotide position 1469. The arginine at codon 490 is replaced by glutamine, an amino acid with highly similar properties. This amino acid position is well conserved in available vertebrate species. In addition, this alteration is predicted to be tolerated by in silico analysis. Based on the available evidence, the clinical significance of this variant remains unclear.

Labcorp Genetics (formerly Invitae), Labcorp
Classification: Uncertain significance for Familial hypobetalipoproteinemia 1; Hypercholesterolemia, autosomal dominant, type B. Last evaluated: 2025-07-16. Review status: criteria provided, single submitter. Criteria: Invitae Variant Classification Sherloc (09022015). Collection method: clinical testing. Allele origin: germline.
Comment: This sequence change replaces arginine, which is basic and polar, with glutamine, which is neutral and polar, at codon 490 of the APOB protein (p.Arg490Gln). This variant is present in population databases (rs746365267, gnomAD 0.006%). This variant has not been reported in the literature in individuals affected with APOB-related conditions. ClinVar contains an entry for this variant (Variation ID: 926350). An algorithm developed to predict the effect of missense changes on protein structure and function (PolyPhen-2) suggests that this variant is likely to be disruptive. This variant disrupts the p.Arg490 amino acid residue in APOB. Other variant(s) that disrupt this residue have been determined to be pathogenic (PMID: 12551903). This suggests that this residue is clinically significant, and that variants that disrupt this residue are likely to be disease-causing. In summary, the available evidence is currently insufficient to determine the role of this variant in disease. Therefore, it has been classified as a Variant of Uncertain Significance.

Blueprint Genetics
Classification: Uncertain significance. Last evaluated: 2023-06-28. Review status: criteria provided, single submitter. Criteria: ACMG Guidelines, 2015. Collection method: clinical testing. Allele origin: germline.

GeneDx
Classification: Uncertain significance. Last evaluated: 2022-05-06. Review status: criteria provided, single submitter. Criteria: GeneDx Variant Classification Process June 2021. Collection method: clinical testing. Allele origin: germline. Affected: yes.
Comment: Has not been previously published as pathogenic or benign to our knowledge; In silico analysis supports that this missense variant has a deleterious effect on protein structure/function

Literature cited by the submitters: PubMed 12551903 (cited by Labcorp Genetics (formerly Invitae), Labcorp).

NM_000384.3(APOB):c.1469G>A (p.Arg490Gln)

Gene: APOB (apolipoprotein B; minus strand). Cytogenetic location: 2p24.1.
Variant type: single nucleotide variant.
Coding change: c.1469G>A on transcript NM_000384.3 (MANE Select); coding-DNA position 1469, G replaced by A.
Protein change: p.Arg490Gln; replaces arginine 490 with glutamine.
Molecular consequence: missense variant.
Genome position (GRCh38, 1-based): chr2:21,029,899, C>T on the plus strand (G>A on the coding strand, the complement: APOB is on the minus strand). VCF-style: chr2-21029899-C-T. GRCh37 (hg19) VCF-style: chr2-21252771-C-T.
Other names: short protein forms R490Q.
Identifiers: ClinVar variation 926350 (VCV000926350.8), dbSNP rs746365267, ClinGen allele CA053676.
Genomic context (GRCh38, chr2:21,029,899, plus strand): 5'-AAGGTGTCCAGGAAAAGTGCTTCTGAAATGATGTATGTCATATAAAAGACTGAGATTACC[C>T]GCAGAATCAAATAGGTGTAATCTTCATCCCCAGTGCAGTCATCTTGAATCTGTTCCATCA-3'
Protein context (NP_000375.3, residues 480-500): GDEDYTYLIL[Arg490Gln]VIGNMGQTME